The following is an entry in ClinVar:

ClinVar aggregate classification (germline): Uncertain significance. Review status: criteria provided, multiple submitters, no conflicts (2 of 4 stars). 2 submissions from 2 submitters: Uncertain significance (2). Last evaluated 2023-12-18.

Conditions:
Neurofibromatosis, type 2 (SWNV). Also called: BILATERAL ACOUSTIC NEUROFIBROMATOSIS; SCHWANNOMATOSIS, VESTIBULAR; NF2-Related Schwannomatosis. Identifiers: Orphanet 637, MedGen C0027832, MONDO:0007039, OMIM 101000. Disease mechanism: loss of function.
Hereditary cancer-predisposing syndrome. Also called: Tumor predisposition; Hereditary Cancer Syndrome; Hereditary neoplastic syndrome; Neoplastic Syndromes, Hereditary. Identifiers: Orphanet 140162, MedGen C0027672, MeSH D009386, MONDO:0015356.

Allele frequency attached by ClinVar (database versions not stated): gnomAD exomes below 0.00001.
gnomAD v4.1: 1 of 1,607,402 alleles (0.000062%); highest among the groups gnomAD compares: Non-Finnish European, 0.000085%; no homozygotes.

Submissions (2):

Labcorp Genetics (formerly Invitae), Labcorp
Classification: Uncertain significance for Neurofibromatosis, type 2. Last evaluated: 2023-12-18. Review status: criteria provided, single submitter. Criteria: Invitae Variant Classification Sherloc (09022015). Collection method: clinical testing. Allele origin: germline.
Comment: This sequence change replaces proline, which is neutral and non-polar, with arginine, which is basic and polar, at codon 19 of the NF2 protein (p.Pro19Arg). This variant is not present in population databases (gnomAD no frequency). This variant has not been reported in the literature in individuals affected with NF2-related conditions. ClinVar contains an entry for this variant (Variation ID: 825907). An algorithm developed to predict the effect of missense changes on protein structure and function (PolyPhen-2) suggests that this variant is likely to be disruptive. In summary, the available evidence is currently insufficient to determine the role of this variant in disease. Therefore, it has been classified as a Variant of Uncertain Significance.

Ambry Genetics
Classification: Uncertain significance for Hereditary cancer-predisposing syndrome. Last evaluated: 2018-08-13. Review status: criteria provided, single submitter. Criteria: Ambry Variant Classification Scheme 2023. Collection method: clinical testing. Allele origin: germline.
Comment: The p.P19R variant (also known as c.56C>G), located in coding exon 1 of the NF2 gene, results from a C to G substitution at nucleotide position 56. The proline at codon 19 is replaced by arginine, an amino acid with dissimilar properties. This amino acid position is highly conserved in available vertebrate species. In addition, the in silico prediction for this alteration is inconclusive. Since supporting evidence is limited at this time, the clinical significance of this alteration remains unclear.

NM_000268.4(NF2):c.56C>G (p.Pro19Arg)

Gene: NF2 (NF2, moesin-ezrin-radixin like (MERLIN) tumor suppressor; plus strand). Cytogenetic location: 22q12.2.
Variant type: single nucleotide variant.
Coding change: c.56C>G on transcript NM_000268.4 (MANE Select); coding-DNA position 56, C replaced by G.
Protein change: p.Pro19Arg; replaces proline 19 with arginine.
Molecular consequence: missense variant. On other transcripts: non-coding transcript variant (1).
Genome position (GRCh38, 1-based): chr22:29,604,054, C>G. VCF-style: chr22-29604054-C-G. GRCh37 (hg19) VCF-style: chr22-30000043-C-G.
Other names: c.56C>G, p.Pro19Arg (NM_016418.5, NM_181825.3, NM_181828.3 and 5 more transcripts); short protein forms P19R.
Identifiers: ClinVar variation 825907 (VCV000825907.10), dbSNP rs1601515928, ClinGen allele CA411145987.